The following is an entry in ClinVar:

ClinVar aggregate classification (germline): Conflicting classifications of pathogenicity. Review status: criteria provided, conflicting classifications (1 of 4 stars). 3 submissions from 3 submitters: Uncertain significance (1); Likely benign (2). Last evaluated 2026-04-15.

Conditions:
A2ML1-related disorder. Also called: A2ML1-related condition.

Allele frequency attached by ClinVar (database versions not stated): ESP Exome Variant Server 0.00059; gnomAD exomes 0.00002 and 0.00006; ExAC 0.00010; TOPMed 0.00023; gnomAD 0.00025 and 0.00026; 1000 Genomes Project 0.00040; 1000 Genomes Project 30x 0.00047.
gnomAD v4.1: 66 of 1,614,022 alleles (0.0041%); highest among the groups gnomAD compares: African/African-American, 0.079%; no homozygotes.

Submissions (3):

PreventionGenetics, part of Exact Sciences
Classification: Likely benign for A2ML1-related condition. Last evaluated: 2026-04-15. Review status: criteria provided, single submitter. Criteria: ACMG Guidelines, 2015. Collection method: clinical testing. Allele origin: germline.
Comment: This variant is classified as likely benign based on ACMG/AMP sequence variant interpretation guidelines (Richards et al. 2015 PMID: 25741868, with internal and published modifications).

Labcorp Genetics (formerly Invitae), Labcorp
Classification: Likely benign. Last evaluated: 2025-10-08. Review status: criteria provided, single submitter. Criteria: Invitae Variant Classification Sherloc (09022015). Collection method: clinical testing. Allele origin: germline.

Ambry Genetics
Classification: Uncertain significance. Last evaluated: 2024-10-20. Review status: criteria provided, single submitter. Criteria: Ambry Variant Classification Scheme 2023. Collection method: clinical testing. Allele origin: germline.

NM_144670.6(A2ML1):c.712G>A (p.Val238Ile)

Gene: A2ML1 (alpha-2-macroglobulin like 1; plus strand). Cytogenetic location: 12p13.31.
Variant type: single nucleotide variant.
Coding change: c.712G>A on transcript NM_144670.6 (MANE Select); coding-DNA position 712, G replaced by A.
Protein change: p.Val238Ile; replaces valine 238 with isoleucine.
Molecular consequence: missense variant.
Genome position (GRCh38, 1-based): chr12:8,836,323, G>A. VCF-style: chr12-8836323-G-A. GRCh37 (hg19) VCF-style: chr12-8988919-G-A.
Other names: c.712G>A (NM_144670.3, NM_144670.5); short protein forms V238I.
Identifiers: ClinVar variation 696774 (VCV000696774.13), dbSNP rs200465216, ClinGen allele CA6435398.
Genomic context (GRCh38, chr12:8,836,323, plus strand): 5'-AAGTTTAAGGTGGAAGTGGTGGAACCCAAGGAGTTATCAACGGTGCAGGAATCTTTCTTA[G>A]TAAAAATTTGTTGTAGGTAAGAGCAGAAGCTTGGGATCTGGTGGAGATTAAAGATGCATC-3'
Protein context (NP_653271.3, residues 228-248): ELSTVQESFL[Val238Ile]KICCRYTYGK